The following is an entry in ClinVar:

ClinVar aggregate classification (germline): Uncertain significance. Review status: criteria provided, multiple submitters, no conflicts (2 of 4 stars). 3 submissions from 3 submitters: Uncertain significance (2). 1 of the submissions does not count toward it. Last evaluated 2026-01-06.

Conditions:
Inborn genetic diseases. Identifiers: MedGen C0950123, MeSH D030342.
Alpha thalassemia-X-linked intellectual disability syndrome (ATRX). Also called: ALPHA-THALASSEMIA/IMPAIRED INTELLECTUAL DEVELOPMENT SYNDROME, X-LINKED; ALPHA-THALASSEMIA/MENTAL RETARDATION SYNDROME, X-LINKED; ATR, NONDELETION TYPE; X-linked alpha-thalassemia-mental retardation syndrome; ATR-X syndrome; Alpha thalassemia mental retardation syndrome, nondeletion type, X-linked. Identifiers: Orphanet 847, MedGen C1845055, MONDO:0010519, OMIM 301040.

Allele frequency attached by ClinVar (database versions not stated): TOPMed 0.00002.

Submissions (3):

Labcorp Genetics (formerly Invitae), Labcorp
Classification: Uncertain significance for Alpha thalassemia-X-linked intellectual disability syndrome. Last evaluated: 2026-01-06. Review status: criteria provided, single submitter. Criteria: Invitae Variant Classification Sherloc (09022015). Collection method: clinical testing. Allele origin: germline.
Comment: This sequence change replaces alanine, which is neutral and non-polar, with threonine, which is neutral and polar, at codon 422 of the ATRX protein (p.Ala422Thr). This variant is not present in population databases (gnomAD no frequency). This variant has not been reported in the literature in individuals affected with ATRX-related conditions. ClinVar contains an entry for this variant (Variation ID: 663076). Invitae Evidence Modeling of protein sequence and biophysical properties (such as structural, functional, and spatial information, amino acid conservation, physicochemical variation, residue mobility, and thermodynamic stability) indicates that this missense variant is not expected to disrupt ATRX protein function with a negative predictive value of 95%. In summary, the available evidence is currently insufficient to determine the role of this variant in disease. Therefore, it has been classified as a Variant of Uncertain Significance.

Ambry Genetics
Classification: Uncertain significance for Inborn genetic diseases. Last evaluated: 2018-12-07. Review status: criteria provided, single submitter. Criteria: Ambry Variant Classification Scheme 2023. Collection method: clinical testing. Allele origin: germline.
Comment: The p.A422T variant (also known as c.1264G>A), located in coding exon 9 of the ATRX gene, results from a G to A substitution at nucleotide position 1264. The alanine at codon 422 is replaced by threonine, an amino acid with similar properties. This amino acid position is not well conserved in available vertebrate species. In addition, this alteration is predicted to be tolerated by in silico analysis. Since supporting evidence is limited at this time, the clinical significance of this alteration remains unclear.

Natera, Inc.
Classification: Uncertain significance for X-linked alpha-thalassemia-mental retardation syndrome. Last evaluated: 2021-06-08. Review status: no assertion criteria provided. Collection method: clinical testing. Allele origin: germline. Not counted in ClinVar's aggregate classification.

NM_000489.6(ATRX):c.1264G>A (p.Ala422Thr)

Gene: ATRX (ATRX chromatin remodeler; minus strand). Cytogenetic location: Xq21.1.
Variant type: single nucleotide variant.
Coding change: c.1264G>A on transcript NM_000489.6 (MANE Select); coding-DNA position 1264, G replaced by A.
Protein change: p.Ala422Thr; replaces alanine 422 with threonine.
Molecular consequence: missense variant.
Genome position (GRCh38, 1-based): chrX:77,683,992, C>T on the plus strand (G>A on the coding strand, the complement: ATRX is on the minus strand). VCF-style: chrX-77683992-C-T. GRCh37 (hg19) VCF-style: chrX-76939484-C-T.
Other names: c.1264G>A (NM_000489.3); c.1150G>A, p.Ala384Thr (NM_138270.5); short protein forms A384T, A422T.
Identifiers: ClinVar variation 663076 (VCV000663076.14), dbSNP rs1424850007, ClinGen allele CA413718847.